The following is an entry in ClinVar:

ClinVar aggregate classification (germline): Uncertain significance (1 of 4 stars; one submission).

Conditions:
Inborn genetic diseases. Identifiers: MedGen C0950123, MeSH D030342.

Submission:

Ambry Genetics
Classification: Uncertain significance for Inborn genetic diseases. Last evaluated: 2026-05-18. Review status: criteria provided, single submitter. Criteria: Ambry Variant Classification Scheme 2023. Collection method: clinical testing. Allele origin: germline.
Comment: The p.I614V variant (also known as c.1840A>G), located in coding exon 12 of the ERCC6L2 gene, results from an A to G substitution at nucleotide position 1840. The isoleucine at codon 614 is replaced by valine, an amino acid with highly similar properties. This amino acid position is conserved. In addition, this alteration is predicted to be tolerated by in silico analysis. Based on the available evidence, the clinical significance of this variant remains unclear.

NM_020207.7(ERCC6L2):c.1840A>G (p.Ile614Val)

Gene: ERCC6L2 (ERCC excision repair 6 like 2; plus strand). Cytogenetic location: 9q22.32.
Variant type: single nucleotide variant.
Coding change: c.1840A>G on transcript NM_020207.7 (MANE Select); coding-DNA position 1840, A replaced by G.
Protein change: p.Ile614Val; replaces isoleucine 614 with valine.
Molecular consequence: missense variant. On other transcripts: non-coding transcript variant (1).
Genome position (GRCh38, 1-based): chr9:95,941,542, A>G. VCF-style: chr9-95941542-A-G. GRCh37 (hg19) VCF-style: chr9-98703824-A-G.
Other names: c.1840A>G, p.Ile614Val (NM_001010895.4, NM_001375291.1, NM_001375292.1 and 2 more transcripts); short protein forms I614V.
Identifiers: ClinVar variation 4870616 (VCV004870616.1).
Genomic context (GRCh38, chr9:95,941,542, plus strand): 5'-GGTGCCAATGTTGTTGTATTATTTGATCCTACTTGGAATCCAGCCAATGATCTTCAAGCC[A>G]TTGACAGGTATAATACTGACAAAATTTAAAGTGATCTGCAAATACTTTTAATCTAAAAAT-3'
Protein context (NP_064592.3, residues 604-624): TWNPANDLQA[Ile614Val]DRAYRIGQCR